The following is an entry in ClinVar:

ClinVar aggregate classification (germline): Likely benign (0 of 4 stars; one submission).

Conditions:
HTR2C-related disorder. Also called: HTR2C-related condition.

gnomAD v4.1: 2 of 1,094,640 alleles (0.00018%); highest among the groups gnomAD compares: Non-Finnish European, 0.00024%; no homozygotes.

Submission:

PreventionGenetics, part of Exact Sciences
Classification: Likely benign for HTR2C-related condition. Last evaluated: 2024-01-04. Review status: no assertion criteria provided. Collection method: clinical testing. Allele origin: germline.
Comment: This variant is classified as likely benign based on ACMG/AMP sequence variant interpretation guidelines (Richards et al. 2015 PMID: 25741868, with internal and published modifications).

NM_000868.4(HTR2C):c.30A>C (p.Ser10=)

Gene: HTR2C (5-hydroxytryptamine receptor 2C; plus strand). Cytogenetic location: Xq23.
Variant type: single nucleotide variant.
Coding change: c.30A>C on transcript NM_000868.4 (MANE Select); coding-DNA position 30, A replaced by C.
Protein change: p.Ser10=; no amino-acid change (serine 10 retained).
Molecular consequence: synonymous variant.
Genome position (GRCh38, 1-based): chrX:114,726,966, A>C. VCF-style: chrX-114726966-A-C. GRCh37 (hg19) VCF-style: chrX-113961375-A-C.
Other names: c.30A>C, p.Ser10= (NM_001256760.3, NM_001256761.3).
Identifiers: ClinVar variation 3348718 (VCV003348718.1).